The following is an entry in ClinVar:

NC_012920.1(MT-TP):m.15968T>C

Gene: MT-TP (mitochondrially encoded tRNA proline; minus strand).
Variant type: single nucleotide variant.
Genome position: chrM-15968-T-C.
Identifiers: ClinVar variation 690261 (VCV000690261.1), dbSNP rs1603225617, ClinGen allele CA913175322.
Genomic context (GRCh38, chrMT:15,968, plus strand): 5'-TACACCAGTCTTGTAAACCGGAGATGAAAACCTTTTTCCAAGGACAAATCAGAGAAAAAG[T>C]CTTTAACTCCACCATTAGCACCCAAAGCTAAGATTCTAATTTAAACTATTCTCTGTTCTT-3'

ClinVar aggregate classification (germline): Benign (1 of 4 stars; one submission).

Conditions:
MELAS syndrome (MELAS). Also called: Juvenile myopathy, encephalopathy, lactic acidosis, stroke. Identifiers: Orphanet 550, MedGen C0162671, MONDO:0010789, OMIM 540000.

Submission:

Wong Mito Lab, Molecular and Human Genetics, Baylor College of Medicine
Classification: Benign for MELAS syndrome. Last evaluated: 2019-07-12. Review status: criteria provided, single submitter. Criteria: Modified ACMG Guidelines (Unpublished). Collection method: clinical testing. Allele origin: germline.
Comment: The NC_012920.1:m.15968T>C variant in MT-TP gene is interpreted to be a Benign variant based on the modified ACMG guidelines (unpublished). This variant meets the following evidence codes reported in the guidelines: BS1, BS2, BP4

Literature cited by the submitters: PubMed 31965079.